The following is an entry in ClinVar:

ClinVar aggregate classification (germline): Conflicting classifications of pathogenicity. Review status: criteria provided, conflicting classifications (1 of 4 stars). 10 submissions from 9 submitters: Uncertain significance (1); Benign (3); Likely benign (5). 1 of the submissions does not count toward it. Last evaluated 2026-03-01.

Conditions:
CEP152-related disorder. Also called: CEP152-related condition; CEP152-related disorders. Identifiers: MedGen CN239248.
Inborn genetic diseases. Identifiers: MedGen C0950123, MeSH D030342.
Microcephaly 9, primary, autosomal recessive. Identifiers: Orphanet 2512, MedGen C3553886, MONDO:0013923, OMIM 614852.
Seckel syndrome 5 (SCKL5). Identifiers: Orphanet 808, MedGen C3151187, MONDO:0013443, OMIM 613823.

Allele frequency attached by ClinVar (database versions not stated): gnomAD exomes 0.00020 and 0.00040; ExAC 0.00046; ESP Exome Variant Server 0.00159; gnomAD 0.00194 and 0.00203; TOPMed 0.00195; 1000 Genomes Project 0.00280; 1000 Genomes Project 30x 0.00297.
gnomAD v4.1: 596 of 1,614,074 alleles (0.037%); highest among the groups gnomAD compares: African/African-American, 0.7%; 4 homozygotes.

Submissions (10):

CeGaT Center for Human Genetics Tuebingen
Classification: Likely benign. Last evaluated: 2026-03-01. Review status: criteria provided, single submitter. Criteria: CeGaT Center For Human Genetics Tuebingen Variant Classification Criteria Version 2. Collection method: clinical testing. Allele origin: germline. Affected: yes. Observed: 2 variant alleles.
Comment: CEP152: BP4, BS2

Labcorp Genetics (formerly Invitae), Labcorp
Classification: Benign. Last evaluated: 2025-12-14. Review status: criteria provided, single submitter. Criteria: Invitae Variant Classification Sherloc (09022015). Collection method: clinical testing. Allele origin: germline.

Ambry Genetics
Classification: Likely benign for Inborn genetic diseases. Last evaluated: 2025-08-22. Review status: criteria provided, single submitter. Criteria: Ambry Variant Classification Scheme 2023. Collection method: clinical testing. Allele origin: germline.

Blueprint Genetics
Classification: Likely benign. Last evaluated: 2024-10-02. Review status: criteria provided, single submitter. Criteria: ACMG Guidelines, 2015. Collection method: clinical testing. Allele origin: germline.

GeneDx
Classification: Likely benign. Last evaluated: 2019-11-06. Review status: criteria provided, single submitter. Criteria: GeneDx Variant Classification Process June 2021. Collection method: clinical testing. Allele origin: germline. Affected: yes.

Eurofins Ntd Llc (ga)
Classification: Benign. Last evaluated: 2018-04-20. Review status: criteria provided, single submitter. Criteria: EGL ClinVar v180209 classification definitions. Collection method: clinical testing. Allele origin: germline. Observed: 1 variant allele, 1 heterozygote.

Illumina Laboratory Services, Illumina
Classification: Likely benign for Seckel syndrome 5. Last evaluated: 2018-01-13. Review status: criteria provided, single submitter. Criteria: ICSL Variant Classification Criteria 13 December 2019. Collection method: clinical testing. Allele origin: germline.
Comment: This variant was observed in the ICSL laboratory as part of a predisposition screen in an ostensibly healthy population. It had not been previously curated by ICSL or reported in the Human Gene Mutation Database (HGMD: prior to June 1st, 2018), and was therefore a candidate for classification through an automated scoring system. Utilizing variant allele frequency, disease prevalence and penetrance estimates, and inheritance mode, an automated score was calculated to assess if this variant is too frequent to cause the disease. Based on the score and internal cut-off values, a variant classified as likely benign is not then subjected to further curation. The score for this variant resulted in a classification of likely benign for this disease.

Illumina Laboratory Services, Illumina
Classification: Uncertain significance for Microcephaly 9, primary, autosomal recessive. Last evaluated: 2018-01-13. Review status: criteria provided, single submitter. Criteria: ICSL Variant Classification Criteria 13 December 2019. Collection method: clinical testing. Allele origin: germline.

Genetic Services Laboratory, University of Chicago
Classification: Benign. Last evaluated: 2015-09-22. Review status: criteria provided, single submitter. Criteria: ACMG Guidelines, 2015. Collection method: clinical testing. Allele origin: germline. Affected: no.

PreventionGenetics, part of Exact Sciences
Classification: Likely benign for CEP152-related condition. Last evaluated: 2019-02-18. Review status: no assertion criteria provided. Collection method: clinical testing. Allele origin: germline. Not counted in ClinVar's aggregate classification.
Comment: This variant is classified as likely benign based on ACMG/AMP sequence variant interpretation guidelines (Richards et al. 2015 PMID: 25741868, with internal and published modifications).

NM_001194998.2(CEP152):c.4072C>G (p.Gln1358Glu)

Gene: CEP152 (centrosomal protein 152; minus strand). Cytogenetic location: 15q21.1.
Variant type: single nucleotide variant.
Coding change: c.4072C>G on transcript NM_001194998.2 (MANE Select); coding-DNA position 4072, C replaced by G.
Protein change: p.Gln1358Glu; replaces glutamine 1358 with glutamic acid.
Molecular consequence: missense variant.
Genome position (GRCh38, 1-based): chr15:48,741,622, G>C on the plus strand (C>G on the coding strand, the complement: CEP152 is on the minus strand). VCF-style: chr15-48741622-G-C. GRCh37 (hg19) VCF-style: chr15-49033819-G-C.
Other names: c.4072C>G (NM_001194998.1); c.3904C>G, p.Gln1302Glu (NM_014985.4); short protein forms Q1302E, Q1358E.
Identifiers: ClinVar variation 158262 (VCV000158262.52), dbSNP rs149478199, ClinGen allele CA211071.
Genomic context (GRCh38, chr15:48,741,622, plus strand): 5'-AAAGATAGAAAAACCATTTGGCGACTCACTTTGACATACCTGACTGTGTAGTTTTGCTTT[G>C]GGACTTACTAGAAATAGGTGTTTCCAGTAATTTTGCCATTGTAGCAAGTTTGCTAGCAGC-3'
Protein context (NP_001181927.1, residues 1348-1368): LLETPISSKS[Gln1358Glu]SKTTQSALPL